The following is an entry in ClinVar:

ClinVar aggregate classification (germline): Pathogenic (1 of 4 stars; one submission).

Conditions:
Familial intrahepatic cholestasis. Identifiers: Orphanet 284385, MedGen CN296401, MONDO:0017290.

Submission:

Genomenon, Inc
Classification: Pathogenic for Familial intrahepatic cholestasis. Last evaluated: 2026-04-14. Review status: criteria provided, single submitter. Criteria: Genomenon Sequence Variant Interpretation Standards - Updated. Collection method: curation. Allele origin: germline. Affected: yes.
Comment: ABCB11 c.1308+1G>T is a canonical splice variant affecting the donor splice site of intron 12. It is predicted to affect mRNA splicing, leading to a deleterious effect on the ABCB11 protein. This variant has been observed in at least one proband with an ABCB11-related disorder (PMID:34942279;32087350;19797282). It is absent or not present at a significant frequency in gnomAD. In conclusion, we classify ABCB11 c.1308+1G>T as a pathogenic variant.

Literature cited by the submitters: PubMed 34942279; PubMed 32087350; PubMed 19797282.

NM_003742.4(ABCB11):c.1308+1G>T

Gene: ABCB11 (ATP binding cassette subfamily B member 11; minus strand). Cytogenetic location: 2q31.1.
Variant type: single nucleotide variant.
Coding change: c.1308+1G>T on transcript NM_003742.4 (MANE Select); the canonical splice donor site of the intron after coding-DNA position 1308, G replaced by T.
Molecular consequence: splice donor variant.
Genome position (GRCh38, 1-based): chr2:168,976,576, C>A on the plus strand (G>T on the coding strand, the complement: ABCB11 is on the minus strand). VCF-style: chr2-168976576-C-A. GRCh37 (hg19) VCF-style: chr2-169833086-C-A.
Identifiers: ClinVar variation 4846687 (VCV004846687.1).
Genomic context (GRCh38, chr2:168,976,576, plus strand): 5'-ATGCAAATAAATCATCGAAGAAGAAAACATTTACTATTCTGGGGAACAGACCAGCACTCA[C>A]CTTCACCTCTGGTCTGGAAGGATAATGGAAGGTCACATTATGGAATTCAATTTCACCCTT-3'